The following is an entry in ClinVar:

NM_003047.5(SLC9A1):c.1323C>G (p.Ile441Met)

Genes: SLC9A1 (solute carrier family 9 member A1; minus strand), LOC126805673 (MED14-independent group 3 enhancer GRCh37_chr1:27431568-27432767; plus strand). Cytogenetic location: 1p36.11.
Variant type: single nucleotide variant.
Coding change: c.1323C>G on transcript NM_003047.5 (MANE Select); coding-DNA position 1323, C replaced by G.
Protein change: p.Ile441Met; replaces isoleucine 441 with methionine.
Molecular consequence: missense variant. On other transcripts: non-coding transcript variant (1).
Genome position (GRCh38, 1-based): chr1:27,106,047, G>C on the plus strand (C>G on the coding strand, the complement: SLC9A1 is on the minus strand). VCF-style: chr1-27106047-G-C. GRCh37 (hg19) VCF-style: chr1-27432538-G-C.
Other names: c.1323C>G (NM_003047.3, NM_003047.4); short protein forms I441M.
Identifiers: ClinVar variation 1981344 (VCV001981344.3), dbSNP rs752840548, ClinGen allele CA711128.

ClinVar aggregate classification (germline): Uncertain significance. Review status: criteria provided, multiple submitters, no conflicts (2 of 4 stars). 3 submissions from 3 submitters: Uncertain significance (3). Last evaluated 2026-04-12.

Conditions:
SLC9A1-related disorder. Also called: SLC9A1-related condition.

Allele frequency attached by ClinVar (database versions not stated): gnomAD 0.00001; TOPMed 0.00003.
gnomAD v4.1: 8 of 1,613,424 alleles (0.0005%); highest among the groups gnomAD compares: Middle Eastern, 0.016%; no homozygotes.

Submissions (3):

PreventionGenetics, part of Exact Sciences
Classification: Uncertain significance for SLC9A1-related condition. Last evaluated: 2026-04-12. Review status: criteria provided, single submitter. Criteria: ACMG Guidelines, 2015. Collection method: clinical testing. Allele origin: germline.
Comment: The SLC9A1 c.1323C>G variant is predicted to result in the amino acid substitution p.Ile441Met. To our knowledge, this variant has not been reported in the literature. This variant is reported in 0.012% of alleles in individuals of African descent in gnomAD. At this time, the clinical significance of this variant is uncertain due to the absence of conclusive functional and genetic evidence.

Ambry Genetics
Classification: Uncertain significance. Last evaluated: 2025-04-06. Review status: criteria provided, single submitter. Criteria: Ambry Variant Classification Scheme 2023. Collection method: clinical testing. Allele origin: germline.

Labcorp Genetics (formerly Invitae), Labcorp
Classification: Uncertain significance. Last evaluated: 2022-03-27. Review status: criteria provided, single submitter. Criteria: Invitae Variant Classification Sherloc (09022015). Collection method: clinical testing. Allele origin: germline.
Comment: This sequence change replaces isoleucine, which is neutral and non-polar, with methionine, which is neutral and non-polar, at codon 441 of the SLC9A1 protein (p.Ile441Met). This variant is present in population databases (rs752840548, gnomAD 0.01%). This variant has not been reported in the literature in individuals affected with SLC9A1-related conditions. Algorithms developed to predict the effect of missense changes on protein structure and function are either unavailable or do not agree on the potential impact of this missense change (SIFT: "Deleterious"; PolyPhen-2: "Possibly Damaging"; Align-GVGD: "Class C0"). In summary, the available evidence is currently insufficient to determine the role of this variant in disease. Therefore, it has been classified as a Variant of Uncertain Significance.